The following is an entry in ClinVar:

ClinVar aggregate classification (germline): Benign/Likely benign. Review status: criteria provided, multiple submitters, no conflicts (2 of 4 stars). 3 submissions from 2 submitters: Benign (2); Likely benign (1). Last evaluated 2025-07-14.

Conditions:
Frontotemporal dementia and/or amyotrophic lateral sclerosis 6 (FTDALS6). Also called: VCP-Related Amyotrophic Lateral Sclerosis; VCP-Related Amyotrophic Lateral Sclerosis/Frontotemporal Dementia. Identifiers: Orphanet 275872, Orphanet 803, MedGen C5436279, MONDO:0013501, OMIM 613954.
Inclusion body myopathy with Paget disease of bone and frontotemporal dementia type 1. Also called: Inclusion body myopathy with early-onset Paget disease with or without frontotemporal dementia 1; MULTISYSTEM PROTEINOPATHY 1; Inclusion body myopathy with early-onset Paget disease and frontotemporal dementia 1. Identifiers: MedGen C4551951, MONDO:0008178, OMIM 167320.
Inclusion body myopathy with Paget disease of bone and frontotemporal dementia. Also called: Inclusion body myopathy with early-onset Paget disease and frontotemporal dementia. Identifiers: Orphanet 52430, MedGen C1833662, MONDO:0000507.

Allele frequency attached by ClinVar (database versions not stated): gnomAD 0.00002 and 0.00003; TOPMed 0.00004; gnomAD exomes 0.00008 and 0.00012; ExAC 0.00018.

Submissions (3):

Labcorp Genetics (formerly Invitae), Labcorp
Classification: Benign for Inclusion body myopathy with Paget disease of bone and frontotemporal dementia; Frontotemporal dementia and/or amyotrophic lateral sclerosis 6. Last evaluated: 2025-07-14. Review status: criteria provided, single submitter. Criteria: Invitae Variant Classification Sherloc (09022015). Collection method: clinical testing. Allele origin: germline.

Illumina Laboratory Services, Illumina
Classification: Likely benign for Frontotemporal dementia and/or amyotrophic lateral sclerosis 6. Last evaluated: 2018-01-13. Review status: criteria provided, single submitter. Criteria: ICSL Variant Classification Criteria 13 December 2019. Collection method: clinical testing. Allele origin: germline.
Comment: This variant was observed in the ICSL laboratory as part of a predisposition screen in an ostensibly healthy population. It had not been previously curated by ICSL or reported in the Human Gene Mutation Database (HGMD: prior to June 1st, 2018), and was therefore a candidate for classification through an automated scoring system. Utilizing variant allele frequency, disease prevalence and penetrance estimates, and inheritance mode, an automated score was calculated to assess if this variant is too frequent to cause the disease. Based on the score and internal cut-off values, a variant classified as likely benign is not then subjected to further curation. The score for this variant resulted in a classification of likely benign for this disease.

Illumina Laboratory Services, Illumina
Classification: Benign for Inclusion body myopathy with Paget disease of bone and frontotemporal dementia type 1. Last evaluated: 2018-01-13. Review status: criteria provided, single submitter. Criteria: ICSL Variant Classification Criteria 13 December 2019. Collection method: clinical testing. Allele origin: germline.
Comment: This variant was observed in the ICSL laboratory as part of a predisposition screen in an ostensibly healthy population. It had not been previously curated by ICSL or reported in the Human Gene Mutation Database (HGMD: prior to June 1st, 2018), and was therefore a candidate for classification through an automated scoring system. Utilizing variant allele frequency, disease prevalence and penetrance estimates, and inheritance mode, an automated score was calculated to assess if this variant is too frequent to cause the disease. Based on the score and internal cut-off values, a variant classified as benign is not then subjected to further curation. The score for this variant resulted in a classification of benign for this disease.

NM_007126.5(VCP):c.812-7C>G

Gene: VCP (valosin containing protein; minus strand). Cytogenetic location: 9p13.3.
Variant type: single nucleotide variant.
Coding change: c.812-7C>G on transcript NM_007126.5 (MANE Select); 7 bases into the intron before coding-DNA position 812, C replaced by G.
Molecular consequence: intron variant.
Genome position (GRCh38, 1-based): chr9:35,062,357, G>C on the plus strand (C>G on the coding strand, the complement: VCP is on the minus strand). VCF-style: chr9-35062357-G-C. GRCh37 (hg19) VCF-style: chr9-35062354-G-C.
Other names: c.677-7C>G (NM_001354927.2, NM_001354928.2).
Identifiers: ClinVar variation 912685 (VCV000912685.11), dbSNP rs764429197, ClinGen allele CA5039360.